The following is an entry in ClinVar:

NM_002693.3(POLG):c.1430A>G (p.Glu477Gly)

Gene: POLG (DNA polymerase gamma, catalytic subunit; minus strand). Cytogenetic location: 15q26.1.
Variant type: single nucleotide variant.
Coding change: c.1430A>G on transcript NM_002693.3 (MANE Select); coding-DNA position 1430, A replaced by G.
Protein change: p.Glu477Gly; replaces glutamic acid 477 with glycine.
Molecular consequence: missense variant.
Genome position (GRCh38, 1-based): chr15:89,327,170, T>C on the plus strand (A>G on the coding strand, the complement: POLG is on the minus strand). VCF-style: chr15-89327170-T-C. GRCh37 (hg19) VCF-style: chr15-89870401-T-C.
Other names: c.1430A>G, p.Glu477Gly (NM_001126131.2); short protein forms E477G.
Identifiers: ClinVar variation 3911930 (VCV003911930.2).

ClinVar aggregate classification (germline): Uncertain significance (1 of 4 stars; one submission).

Submission:

Women's Health and Genetics/Laboratory Corporation of America, LabCorp
Classification: Uncertain significance. Last evaluated: 2025-07-03. Review status: criteria provided, single submitter. Criteria: LabCorp Variant Classification Summary - May 2015. Collection method: clinical testing. Allele origin: germline.
Comment: Variant summary: POLG c.1430A>G (p.Glu477Gly) results in a non-conservative amino acid change in the encoded protein sequence. Algorithms developed to predict the effect of missense changes on protein structure and function all suggest that this variant is likely to be disruptive. The variant was absent in 251482 control chromosomes. The available data on variant occurrences in the general population are insufficient to allow any conclusion about variant significance. To our knowledge, no occurrence of c.1430A>G in individuals affected with POLG-Related Spectrum Disorders and no experimental evidence demonstrating its impact on protein function have been reported. No submitters have cited clinical-significance assessments for this variant to ClinVar. Based on the evidence outlined above, the variant was classified as uncertain significance.